The following is an entry in ClinVar:

ClinVar aggregate classification (germline): Uncertain significance (1 of 4 stars; one submission).

Conditions:
Cardiovascular phenotype. Identifiers: MedGen CN230736.

Submission:

Ambry Genetics
Classification: Uncertain significance for Cardiovascular phenotype. Last evaluated: 2024-11-27. Review status: criteria provided, single submitter. Criteria: Ambry Variant Classification Scheme 2023. Collection method: clinical testing. Allele origin: germline.
Comment: The p.P130T variant (also known as c.388C>A), located in coding exon 4 of the LDB3 gene, results from a C to A substitution at nucleotide position 388. The proline at codon 130 is replaced by threonine, an amino acid with highly similar properties. This amino acid position is conserved. In addition, this alteration is predicted to be tolerated by in silico analysis. Based on the available evidence, the clinical significance of this variant remains unclear.

NM_007078.3(LDB3):c.388C>A (p.Pro130Thr)

Gene: LDB3 (LIM domain binding 3; plus strand). Cytogenetic location: 10q23.2.
Variant type: single nucleotide variant.
Coding change: c.388C>A on transcript NM_007078.3 (MANE Select); coding-DNA position 388, C replaced by A.
Protein change: p.Pro130Thr; replaces proline 130 with threonine.
Molecular consequence: missense variant. On other transcripts: intron variant (5).
Genome position (GRCh38, 1-based): chr10:86,681,502, C>A. VCF-style: chr10-86681502-C-A. GRCh37 (hg19) VCF-style: chr10-88441259-C-A.
Other names: c.388C>A, p.Pro130Thr (NM_001080115.2, NM_001171610.2, NM_001171611.2 and 3 more transcripts); c.321+1345C>A (NM_001368068.1, NM_001368066.1, NM_001080114.2 and 2 more transcripts); short protein forms P130T.
Identifiers: ClinVar variation 3537680 (VCV003537680.1).